The following is an entry in ClinVar:

NM_007199.3(IRAK3):c.808A>G (p.Ile270Val)

Gene: IRAK3 (interleukin 1 receptor associated kinase 3; plus strand). Cytogenetic location: 12q14.3.
Variant type: single nucleotide variant.
Coding change: c.808A>G on transcript NM_007199.3 (MANE Select); coding-DNA position 808, A replaced by G.
Protein change: p.Ile270Val; replaces isoleucine 270 with valine.
Molecular consequence: missense variant.
Genome position (GRCh38, 1-based): chr12:66,228,291, A>G. VCF-style: chr12-66228291-A-G. GRCh37 (hg19) VCF-style: chr12-66622071-A-G.
Other names: c.625A>G, p.Ile209Val (NM_001142523.2); short protein forms I209V, I270V.
Identifiers: ClinVar variation 3053040 (VCV003053040.2), dbSNP rs11465972, ClinGen allele CA6672767.
Genomic context (GRCh38, chr12:66,228,291, plus strand): 5'-CAATTGCTGTTGTTGTTTTAGGGTGACACGGCCCCACTCCCTTGGCACATTCGAATCGGT[A>G]TATTAATAGGAATATCCAAAGCCATTCACTACCTGCACAACGTTCAACCATGCTCGGTCA-3'
Protein context (NP_009130.2, residues 260-280): APLPWHIRIG[Ile270Val]LIGISKAIHY

ClinVar aggregate classification (germline): Benign (0 of 4 stars; one submission).

Conditions:
IRAK3-related disorder. Also called: IRAK3-related condition.

Allele frequency attached by ClinVar (database versions not stated): gnomAD exomes 0.00017; ExAC 0.00077; gnomAD 0.00221; TOPMed 0.00240; 1000 Genomes Project 0.00280; 1000 Genomes Project 30x 0.00281; ESP Exome Variant Server 0.00323.
gnomAD v4.1: 584 of 1,614,104 alleles (0.036%); highest among the groups gnomAD compares: African/African-American, 0.75%; no homozygotes.

Submission:

PreventionGenetics, part of Exact Sciences
Classification: Benign for IRAK3-related condition. Last evaluated: 2020-05-19. Review status: no assertion criteria provided. Collection method: clinical testing. Allele origin: germline.
Comment: This variant is classified as benign based on ACMG/AMP sequence variant interpretation guidelines (Richards et al. 2015 PMID: 25741868, with internal and published modifications).